The following is an entry in ClinVar:

NM_015721.3(GEMIN4):c.1143G>A (p.Glu381=)

Gene: GEMIN4 (gem nuclear organelle associated protein 4; minus strand). Cytogenetic location: 17p13.3.
Variant type: single nucleotide variant.
Coding change: c.1143G>A on transcript NM_015721.3 (MANE Select); coding-DNA position 1143, G replaced by A.
Protein change: p.Glu381=; no amino-acid change (glutamic acid 381 retained).
Molecular consequence: synonymous variant.
Genome position (GRCh38, 1-based): chr17:746,900, C>T on the plus strand (G>A on the coding strand, the complement: GEMIN4 is on the minus strand). VCF-style: chr17-746900-C-T. GRCh37 (hg19) VCF-style: chr17-650140-C-T.
Identifiers: ClinVar variation 2647169 (VCV002647169.24), dbSNP rs1188846253, ClinGen allele CA497384621.

ClinVar aggregate classification (germline): Likely benign (1 of 4 stars; one submission).

Allele frequency attached by ClinVar (database versions not stated): TOPMed below 0.00001; gnomAD 0.00001.
gnomAD v4.1: 5 of 1,613,618 alleles (0.00031%); highest among the groups gnomAD compares: Non-Finnish European, 0.00042%; no homozygotes.

Submission:

CeGaT Center for Human Genetics Tuebingen
Classification: Likely benign. Last evaluated: 2022-12-01. Review status: criteria provided, single submitter. Criteria: CeGaT Center For Human Genetics Tuebingen Variant Classification Criteria Version 2. Collection method: clinical testing. Allele origin: germline. Affected: yes. Observed: 1 variant allele.
Comment: GEMIN4: BP4, BP7